The following is an entry in ClinVar:

ClinVar aggregate classification (germline): Pathogenic/Likely pathogenic. Review status: criteria provided, multiple submitters, no conflicts (2 of 4 stars). 4 submissions from 4 submitters: Pathogenic (3); Likely pathogenic (1). Last evaluated 2026-04-09.

Conditions:
Vitamin D-dependent rickets, type 1A. Also called: PDDR IA; PSEUDOVITAMIN D-DEFICIENCY RICKETS, TYPE IA; VITAMIN D HYDROXYLATION-DEFICIENT RICKETS, TYPE 1A. Identifiers: MedGen CN283242, MONDO:0020723, OMIM 264700.
CYP27B1-related disorder. Also called: CYP27B1-related condition.

Allele frequency attached by ClinVar (database versions not stated): TOPMed below 0.00001; gnomAD 0.00001; gnomAD exomes 0.00001; ExAC 0.00008.
gnomAD v4.1: 9 of 1,533,742 alleles (0.00059%); highest among the groups gnomAD compares: Non-Finnish European, 0.00079%; no homozygotes.

Submissions (4):

Myriad Genetics, Inc.
Classification: Pathogenic for Vitamin D-dependent rickets, type 1A. Last evaluated: 2026-04-09. Review status: criteria provided, single submitter. Criteria: Myriad Autosomal Dominant, Autosomal Recessive and X-Linked Classification Criteria (2023). Collection method: clinical testing. Allele origin: unknown.
Comment: NM_000785.3(CYP27B1):c.196-2A>G is a variant in a canonical splice site classified as pathogenic in the context of vitamin D-dependent rickets, CYP27B1-related. c.196-2A>G has been observed in cases with relevant disease (PMID: 36321535, Jimenez_2021_(poster)). Relevant functional assessments of this variant are not available in the literature. c.196-2A>G has been observed in referenced population frequency databases. In summary, NM_000785.3(CYP27B1):c.196-2A>G is a variant in a canonical splice site in a gene where loss of function is a known mechanism of disease, is predicted to disrupt protein function, and has been observed more frequently in cases with the relevant disease than in healthy populations. Please note: this variant was assessed in the context of healthy population screening.

Blueprint Genetics
Classification: Pathogenic for CYP27B1-related disorders. Last evaluated: 2024-06-17. Review status: criteria provided, single submitter. Criteria: ACMG Guidelines, 2015. Collection method: clinical testing. Allele origin: germline. Affected: yes. Observed: 2 variant alleles.

Fulgent Genetics
Classification: Pathogenic for Vitamin D-dependent rickets, type 1A. Last evaluated: 2023-12-28. Review status: criteria provided, single submitter. Criteria: ACMG Guidelines, 2015. Collection method: clinical testing. Allele origin: germline.

Labcorp Genetics (formerly Invitae), Labcorp
Classification: Likely pathogenic. Last evaluated: 2023-03-20. Review status: criteria provided, single submitter. Criteria: Invitae Variant Classification Sherloc (09022015). Collection method: clinical testing. Allele origin: germline.
Comment: In summary, the currently available evidence indicates that the variant is pathogenic, but additional data are needed to prove that conclusively. Therefore, this variant has been classified as Likely Pathogenic. This sequence change affects an acceptor splice site in intron 1 of the CYP27B1 gene. It is expected to disrupt RNA splicing. Variants that disrupt the donor or acceptor splice site typically lead to a loss of protein function (PMID: 16199547), and loss-of-function variants in CYP27B1 are known to be pathogenic (PMID: 9837822, 17488797). The frequency data for this variant in the population databases is considered unreliable, as metrics indicate poor data quality at this position in the gnomAD database. Disruption of this splice site has been observed in individual(s) with clinical features of vitamin-D dependent rickets (PMID: 36321535). ClinVar contains an entry for this variant (Variation ID: 955237). Algorithms developed to predict the effect of sequence changes on RNA splicing suggest that this variant may disrupt the consensus splice site.

Literature cited by the submitters: PubMed 16199547 (cited by Labcorp Genetics (formerly Invitae), Labcorp); PubMed 9837822 (cited by Labcorp Genetics (formerly Invitae), Labcorp); PubMed 17488797 (cited by Labcorp Genetics (formerly Invitae), Labcorp); PubMed 36321535 (cited by Labcorp Genetics (formerly Invitae), Labcorp).

NM_000785.4(CYP27B1):c.196-2A>G

Gene: CYP27B1 (cytochrome P450 family 27 subfamily B member 1; minus strand). Cytogenetic location: 12q14.1.
Variant type: single nucleotide variant.
Coding change: c.196-2A>G on transcript NM_000785.4 (MANE Select); the canonical splice acceptor site of the intron before coding-DNA position 196, A replaced by G.
Molecular consequence: splice acceptor variant.
Genome position (GRCh38, 1-based): chr12:57,766,199, T>C on the plus strand (A>G on the coding strand, the complement: CYP27B1 is on the minus strand). VCF-style: chr12-57766199-T-C. GRCh37 (hg19) VCF-style: chr12-58159982-T-C.
Identifiers: ClinVar variation 955237 (VCV000955237.13), dbSNP rs772960103, ClinGen allele CA6658508.